The following is an entry in ClinVar:

NM_182961.4(SYNE1):c.16896+12A>G

Genes: SYNE1 (spectrin repeat containing nuclear envelope protein 1; minus strand), LOC126859837 (BRD4-independent group 4 enhancer GRCh37_chr6:152630775-152631974; plus strand). Cytogenetic location: 6q25.2.
Variant type: single nucleotide variant.
Coding change: c.16896+12A>G on transcript NM_182961.4 (MANE Select); 12 bases into the intron after coding-DNA position 16896, A replaced by G.
Molecular consequence: intron variant.
Genome position (GRCh38, 1-based): chr6:152,310,676, T>C on the plus strand (A>G on the coding strand, the complement: SYNE1 is on the minus strand). VCF-style: chr6-152310676-T-C. GRCh37 (hg19) VCF-style: chr6-152631811-T-C.
Other names: c.16683+12A>G (NM_033071.5).
Identifiers: ClinVar variation 386192 (VCV000386192.1), dbSNP rs1057522443, ClinGen allele CA16604890.

ClinVar aggregate classification (germline): Likely benign (1 of 4 stars; one submission).

Allele frequency attached by ClinVar (database versions not stated): TOPMed below 0.00001; gnomAD 0.00001; gnomAD exomes 0.00001.
gnomAD v4.1: 7 of 1,612,048 alleles (0.00043%); highest among the groups gnomAD compares: Non-Finnish European, 0.00051%; no homozygotes.

Submission:

GeneDx
Classification: Likely benign. Last evaluated: 2016-05-26. Review status: criteria provided, single submitter. Criteria: GeneDx Variant Classification (06012015). Collection method: clinical testing. Allele origin: germline. Affected: yes.
Comment: This variant is considered likely benign or benign based on one or more of the following criteria: it is a conservative change, it occurs at a poorly conserved position in the protein, it is predicted to be benign by multiple in silico algorithms, and/or has population frequency not consistent with disease.